The following is an entry in ClinVar:

NM_001793.6(CDH3):c.1508G>A (p.Arg503His)

Gene: CDH3 (cadherin 3; plus strand). Cytogenetic location: 16q22.1.
Variant type: single nucleotide variant.
Coding change: c.1508G>A on transcript NM_001793.6 (MANE Select); coding-DNA position 1508, G replaced by A.
Protein change: p.Arg503His; replaces arginine 503 with histidine.
Molecular consequence: missense variant.
Genome position (GRCh38, 1-based): chr16:68,685,288, G>A. VCF-style: chr16-68685288-G-A. GRCh37 (hg19) VCF-style: chr16-68719191-G-A.
Other names: c.1508G>A, p.Arg503His (NM_001317195.3); c.1343G>A, p.Arg448His (NM_001317196.2); short protein forms R503H, R448H.
Identifiers: ClinVar variation 17639 (VCV000017639.11), dbSNP rs121434542, ClinGen allele CA127316.

ClinVar aggregate classification (germline): Pathogenic/Likely pathogenic. Review status: criteria provided, multiple submitters, no conflicts (2 of 4 stars). 5 submissions from 5 submitters: Pathogenic (3); Likely pathogenic (1). 1 of the submissions does not count toward it. Last evaluated 2026-02-13.

Conditions:
CDH3-related disorder. Also called: CDH3-related condition.
Retinal dystrophy. Also called: Inherited retinal dystrophy. Identifiers: Orphanet 71862, MedGen C0854723, MeSH D058499, MONDO:0019118, HP:0000556.
Congenital hypotrichosis with juvenile macular dystrophy (HJMD). Also called: HYPOTRICHOSIS WITH CONE-ROD DYSTROPHY. Identifiers: Orphanet 1573, MedGen C1832162, MONDO:0011107, OMIM 601553.
Retinal disorder. Also called: Retinal disorders; Retinopathies; Retinal Diseases; Retinopathy. Identifiers: MedGen C0035309, MONDO:0005283, HP:0000488.

Allele frequency attached by ClinVar (database versions not stated): gnomAD exomes below 0.00001; gnomAD 0.00001; TOPMed 0.00001.
gnomAD v4.1: 9 of 1,613,988 alleles (0.00056%); highest among the groups gnomAD compares: Admixed American, 0.0033%; no homozygotes.

Submissions (5):

Genetics Laboratory, Great Ormond Street Hospital NHS Foundation Trust, North Thames Genomic Laboratory Hub
Classification: Likely pathogenic for Retinal disorders. Last evaluated: 2026-02-13. Review status: criteria provided, single submitter. Criteria: ACGS Best Practice Guidelines for Variant Classification in Rare Disease 2024 v1.2. Collection method: clinical testing. Allele origin: germline. Affected: yes.
Comment: PM2_moderate, PP1_strong, PM3_moderate

Labcorp Genetics (formerly Invitae), Labcorp
Classification: Pathogenic. Last evaluated: 2024-10-23. Review status: criteria provided, single submitter. Criteria: Invitae Variant Classification Sherloc (09022015). Collection method: clinical testing. Allele origin: germline.
Comment: This sequence change replaces arginine, which is basic and polar, with histidine, which is basic and polar, at codon 503 of the CDH3 protein (p.Arg503His). This variant is present in population databases (rs121434542, gnomAD 0.003%). This missense change has been observed in individuals with autosomal recessive hypotrichosis with juvenile macular dystrophy (PMID: 12445216, 14708629, 27386845, 30710256). It is commonly reported in individuals of Arab Israeli ancestry (PMID: 14708629). ClinVar contains an entry for this variant (Variation ID: 17639). Invitae Evidence Modeling of protein sequence and biophysical properties (such as structural, functional, and spatial information, amino acid conservation, physicochemical variation, residue mobility, and thermodynamic stability) indicates that this missense variant is expected to disrupt CDH3 protein function with a positive predictive value of 80%. For these reasons, this variant has been classified as Pathogenic.

Blueprint Genetics
Classification: Pathogenic for CDH3-related disorders. Last evaluated: 2022-05-13. Review status: criteria provided, single submitter. Criteria: ACMG Guidelines, 2015. Collection method: clinical testing. Allele origin: germline. Affected: yes. Observed: 5 variant alleles.

Institute of Human Genetics, Univ. Regensburg, Univ. Regensburg
Classification: Pathogenic for Retinal dystrophy. Last evaluated: 2017-01-01. Review status: criteria provided, single submitter. Criteria: ACMG Guidelines, 2015. Collection method: clinical testing. Allele origin: germline. Affected: yes.

OMIM
Classification: Pathogenic for HYPOTRICHOSIS, CONGENITAL, WITH JUVENILE MACULAR DYSTROPHY. Last evaluated: 2002-11-01. Review status: no assertion criteria provided. Collection method: literature only. Allele origin: germline. Not counted in ClinVar's aggregate classification.

Literature cited by the submitters: PubMed 12445216 (cited by 3 submitters); PubMed 14708629 (cited by Labcorp Genetics (formerly Invitae), Labcorp); PubMed 27386845 (cited by Labcorp Genetics (formerly Invitae), Labcorp); PubMed 30710256 (cited by Labcorp Genetics (formerly Invitae), Labcorp and Institute of Human Genetics, Univ. Regensburg, Univ. Regensburg); PubMed 29555955 (cited by Institute of Human Genetics, Univ. Regensburg, Univ. Regensburg); PubMed 31964843 (cited by Institute of Human Genetics, Univ. Regensburg, Univ. Regensburg); PubMed 31927556 (cited by Institute of Human Genetics, Univ. Regensburg, Univ. Regensburg); PubMed 36779776 (cited by Institute of Human Genetics, Univ. Regensburg, Univ. Regensburg).